The following is an entry in ClinVar:

ClinVar aggregate classification (germline): Uncertain significance. Review status: criteria provided, multiple submitters, no conflicts (2 of 4 stars). 9 submissions from 9 submitters: Uncertain significance (9). Last evaluated 2025-10-15.

Conditions:
Classic or attenuated familial adenomatous polyposis. Identifiers: MedGen CN372698, MONDO:0021057.
Hereditary cancer-predisposing syndrome. Also called: Hereditary Cancer Syndrome; Tumor predisposition; Hereditary neoplastic syndrome; Neoplastic Syndromes, Hereditary. Identifiers: Orphanet 140162, MedGen C0027672, MeSH D009386, MONDO:0015356.
Attenuated familial adenomatous polyposis (AFAP). Also called: Attenuated FAP. Identifiers: Orphanet 220460, MedGen C2674616, MONDO:0016362.
Familial adenomatous polyposis 1 (FAP1). Also called: FAMILIAL ADENOMATOUS POLYPOSIS 1, ATTENUATED; POLYPOSIS, ADENOMATOUS INTESTINAL. Identifiers: MedGen C2713442, MONDO:0021056, OMIM 175100. Disease mechanism: loss of function.
Gastric adenocarcinoma and proximal polyposis of the stomach (GAPPS). Also called: Polyposis, gastric, Dos Santos and de Magalhaes 1980; POLYPOSIS, GASTRIC; Gastric Adenocarcinoma and Proximal Polyposis of the Stomach (GAPPS). Identifiers: Orphanet 314022, MedGen C4749917, MONDO:0017790, OMIM 619182.

Allele frequency attached by ClinVar (database versions not stated): TOPMed 0.00001.
gnomAD v4.1: 3 of 1,614,218 alleles (0.00019%); highest among the groups gnomAD compares: Admixed American, 0.005%; no homozygotes.

Submissions (9):

Labcorp Genetics (formerly Invitae), Labcorp
Classification: Uncertain significance for Familial adenomatous polyposis 1. Last evaluated: 2025-10-15. Review status: criteria provided, single submitter. Criteria: Invitae Variant Classification Sherloc (09022015). Collection method: clinical testing. Allele origin: germline.
Comment: This sequence change replaces serine, which is neutral and polar, with proline, which is neutral and non-polar, at codon 835 of the APC protein (p.Ser835Pro). This variant is present in population databases (rs748302469, gnomAD 0.009%). This variant has not been reported in the literature in individuals affected with APC-related conditions. ClinVar contains an entry for this variant (Variation ID: 419216). Invitae Evidence Modeling of protein sequence and biophysical properties (such as structural, functional, and spatial information, amino acid conservation, physicochemical variation, residue mobility, and thermodynamic stability) indicates that this missense variant is not expected to disrupt APC protein function with a negative predictive value of 95%. In summary, the available evidence is currently insufficient to determine the role of this variant in disease. Therefore, it has been classified as a Variant of Uncertain Significance.

Women's Health and Genetics/Laboratory Corporation of America, LabCorp
Classification: Uncertain significance. Last evaluated: 2025-02-13. Review status: criteria provided, single submitter. Criteria: LabCorp Variant Classification Summary - May 2015. Collection method: clinical testing. Allele origin: germline.
Comment: Variant summary: APC c.2503T>C (p.Ser835Pro) results in a non-conservative amino acid change in the encoded protein sequence. Four of five in-silico tools predict a damaging effect of the variant on protein function. The variant allele was found at a frequency of 8e-06 in 251176 control chromosomes. The available data on variant occurrences in the general population are insufficient to allow any conclusion about variant significance. To our knowledge, no occurrence of c.2503T>C in individuals affected with APC-related conditions and no experimental evidence demonstrating its impact on protein function have been reported. ClinVar contains an entry for this variant (Variation ID: 419216). Based on the evidence outlined above, the variant was classified as uncertain significance.

Ambry Genetics
Classification: Uncertain significance for Hereditary cancer-predisposing syndrome. Last evaluated: 2025-01-31. Review status: criteria provided, single submitter. Criteria: Ambry Variant Classification Scheme 2023. Collection method: clinical testing. Allele origin: germline.
Comment: The p.S835P variant (also known as c.2503T>C), located in coding exon 15 of the APC gene, results from a T to C substitution at nucleotide position 2503. The serine at codon 835 is replaced by proline, an amino acid with similar properties. This amino acid position is well conserved in available vertebrate species. Missense alterations in APC are not a common cause of disease (Spier I et al. Genet Med. 2024 Feb;26(2):100992). In addition, in silico predictors for this gene do not accurately predict pathogenicity. Since supporting evidence is limited at this time, the clinical significance of this alteration remains unclear.

All of Us Research Program, National Institutes of Health
Classification: Uncertain significance for Classic or attenuated familial adenomatous polyposis. Last evaluated: 2024-06-09. Review status: criteria provided, single submitter. Criteria: ACMG Guidelines, 2015. Collection method: clinical testing. Allele origin: germline. Inheritance: Autosomal dominant inheritance. Observed: 2 variant alleles, 2 heterozygotes.
Comment: This missense variant replaces serine with proline at codon 835 of the APC protein. Computational prediction suggests that this variant may not impact protein structure and function (internally defined REVEL score threshold <= 0.5, PMID: 27666373). To our knowledge, functional studies have not been reported for this variant. This variant has not been reported in individuals affected with APC-related disorders in the literature. This variant has been identified in 2/251176 chromosomes in the general population by the Genome Aggregation Database (gnomAD). The available evidence is insufficient to determine the role of this variant in disease conclusively. Therefore, this variant is classified as a Variant of Uncertain Significance.

This study involves interpretation of variants in research participants for the purpose of population health screening. Participant phenotype was not available at the time of variant classification. Additional details can be found in publication PMID: 35346344, PMCID: PMC8962531

Baylor Genetics
Classification: Uncertain significance for Familial adenomatous polyposis 1. Last evaluated: 2023-08-30. Review status: criteria provided, single submitter. Criteria: ACMG Guidelines, 2015. Collection method: clinical testing. Allele origin: unknown.

GeneDx
Classification: Uncertain significance. Last evaluated: 2023-08-17. Review status: criteria provided, single submitter. Criteria: GeneDx Variant Classification Process June 2021. Collection method: clinical testing. Allele origin: germline. Affected: yes.
Comment: Not observed at significant frequency in large population cohorts (gnomAD); In silico analysis supports that this missense variant does not alter protein structure/function; Has not been previously published as pathogenic or benign to our knowledge

Color Diagnostics, LLC DBA Color Health
Classification: Uncertain significance for Hereditary cancer-predisposing syndrome. Last evaluated: 2023-08-02. Review status: criteria provided, single submitter. Criteria: ACMG Guidelines, 2015. Collection method: clinical testing. Allele origin: germline.
Comment: This missense variant replaces serine with proline at codon 835 of the APC protein. Computational prediction suggests that this variant may not impact protein structure and function (internally defined REVEL score threshold <= 0.5, PMID: 27666373). To our knowledge, functional studies have not been reported for this variant. This variant has not been reported in individuals affected with APC-related disorders in the literature. This variant has been identified in 2/251176 chromosomes in the general population by the Genome Aggregation Database (gnomAD). The available evidence is insufficient to determine the role of this variant in disease conclusively. Therefore, this variant is classified as a Variant of Uncertain Significance.

St. Jude Molecular Pathology, St. Jude Children's Research Hospital
Classification: Uncertain significance for Familial adenomatous polyposis 1. Last evaluated: 2023-01-27. Review status: criteria provided, single submitter. Criteria: St. Jude Assertion Criteria 2020. Collection method: clinical testing. Allele origin: germline.
Comment: The APC c.2503T>C (p.Ser835Pro) missense change has a maximum subpopulation frequency of 0.0058% in gnomAD v2.1.1. The in silico tool REVEL is inconclusive about a pathogenic or benign effect of this variant on protein function, and to our knowledge functional studies have not been performed. To our knowledge, this variant has not been reported in individuals with APC-related familial adenomatous polyposis. In summary, the evidence currently available is insufficient to determine the clinical significance of this variant. It has therefore been classified as of uncertain significance.?

PreventionGenetics, part of Exact Sciences
Classification: Uncertain significance. Last evaluated: 2018-01-17. Review status: criteria provided, single submitter. Criteria: ACMG Guidelines, 2015. Collection method: clinical testing. Allele origin: germline.

NM_000038.6(APC):c.2503T>C (p.Ser835Pro)

Gene: APC (APC regulator of Wnt signaling pathway; plus strand). Cytogenetic location: 5q22.2.
Variant type: single nucleotide variant.
Coding change: c.2503T>C on transcript NM_000038.6 (MANE Select); coding-DNA position 2503, T replaced by C.
Protein change: p.Ser835Pro; replaces serine 835 with proline.
Molecular consequence: missense variant.
Genome position (GRCh38, 1-based): chr5:112,838,097, T>C. VCF-style: chr5-112838097-T-C. GRCh37 (hg19) VCF-style: chr5-112173794-T-C.
Other names: c.2503T>C, p.Ser835Pro (NM_001127510.3, NM_001354895.2); c.2449T>C, p.Ser817Pro (NM_001127511.3); c.2557T>C, p.Ser853Pro (NM_001354896.2); c.2533T>C, p.Ser845Pro (NM_001354897.2); c.2428T>C, p.Ser810Pro (NM_001354898.2); c.2419T>C, p.Ser807Pro (NM_001354899.2); c.2380T>C, p.Ser794Pro (NM_001354900.2); c.2326T>C, p.Ser776Pro (NM_001354901.2); and 5 more; short protein forms S817P, S835P, S552P, S709P, S845P, S675P, S794P, S853P.
Identifiers: ClinVar variation 419216 (VCV000419216.30), dbSNP rs748302469, ClinGen allele CA032325.